The following is an entry in ClinVar:

NM_000780.4(CYP7A1):c.18G>A (p.Leu6=)

Genes: CYP7A1 (cytochrome P450 family 7 subfamily A member 1; minus strand), LOC110596866 (CYP7A1 5' regulatory region; plus strand). Cytogenetic location: 8q12.1.
Variant type: single nucleotide variant.
Coding change: c.18G>A on transcript NM_000780.4 (MANE Select); coding-DNA position 18, G replaced by A.
Protein change: p.Leu6=; no amino-acid change (leucine 6 retained).
Molecular consequence: synonymous variant.
Genome position (GRCh38, 1-based): chr8:58,500,081, C>T on the plus strand (G>A on the coding strand, the complement: CYP7A1 is on the minus strand). VCF-style: chr8-58500081-C-T. GRCh37 (hg19) VCF-style: chr8-59412640-C-T.
Identifiers: ClinVar variation 4994188 (VCV004994188.1).

ClinVar aggregate classification (germline): Likely benign (1 of 4 stars; one submission).

Conditions:
CYP7A1-related disorder. Also called: CYP7A1-related condition.

Submission:

PreventionGenetics, part of Exact Sciences
Classification: Likely benign for CYP7A1-related condition. Last evaluated: 2026-02-03. Review status: criteria provided, single submitter. Criteria: ACMG Guidelines, 2015. Collection method: clinical testing. Allele origin: germline.
Comment: This variant is classified as likely benign based on ACMG/AMP sequence variant interpretation guidelines (Richards et al. 2015 PMID: 25741868, with internal and published modifications).